The following is an entry in ClinVar:

NM_003737.4(DCHS1):c.3170G>A (p.Arg1057Gln)

Gene: DCHS1 (dachsous cadherin-related 1; minus strand). Cytogenetic location: 11p15.4.
Variant type: single nucleotide variant.
Coding change: c.3170G>A on transcript NM_003737.4 (MANE Select); coding-DNA position 3170, G replaced by A.
Protein change: p.Arg1057Gln; replaces arginine 1057 with glutamine.
Molecular consequence: missense variant.
Genome position (GRCh38, 1-based): chr11:6,632,342, C>T on the plus strand (G>A on the coding strand, the complement: DCHS1 is on the minus strand). VCF-style: chr11-6632342-C-T. GRCh37 (hg19) VCF-style: chr11-6653573-C-T.
Other names: short protein forms R1057Q.
Identifiers: ClinVar variation 1897414 (VCV001897414.6), dbSNP rs771545363, ClinGen allele CA5860594.

ClinVar aggregate classification (germline): Uncertain significance. Review status: criteria provided, multiple submitters, no conflicts (2 of 4 stars). 2 submissions from 2 submitters: Uncertain significance (2). Last evaluated 2025-04-12.

Conditions:
Inborn genetic diseases. Identifiers: MedGen C0950123, MeSH D030342.

Allele frequency attached by ClinVar (database versions not stated): TOPMed 0.00002; gnomAD exomes 0.00004; gnomAD 0.00005; ExAC 0.00007; 1000 Genomes Project 30x 0.00016.
gnomAD v4.1: 61 of 1,613,942 alleles (0.0038%); highest among the groups gnomAD compares: South Asian, 0.035%; no homozygotes.

Submissions (2):

Labcorp Genetics (formerly Invitae), Labcorp
Classification: Uncertain significance. Last evaluated: 2025-04-12. Review status: criteria provided, single submitter. Criteria: Invitae Variant Classification Sherloc (09022015). Collection method: clinical testing. Allele origin: germline.
Comment: This sequence change replaces arginine, which is basic and polar, with glutamine, which is neutral and polar, at codon 1057 of the DCHS1 protein (p.Arg1057Gln). This variant is present in population databases (rs771545363, gnomAD 0.03%). This variant has not been reported in the literature in individuals affected with DCHS1-related conditions. ClinVar contains an entry for this variant (Variation ID: 1897414). Invitae Evidence Modeling of protein sequence and biophysical properties (such as structural, functional, and spatial information, amino acid conservation, physicochemical variation, residue mobility, and thermodynamic stability) indicates that this missense variant is not expected to disrupt DCHS1 protein function with a negative predictive value of 80%. In summary, the available evidence is currently insufficient to determine the role of this variant in disease. Therefore, it has been classified as a Variant of Uncertain Significance.

Ambry Genetics
Classification: Uncertain significance for Inborn genetic diseases. Last evaluated: 2021-12-03. Review status: criteria provided, single submitter. Criteria: Ambry Variant Classification Scheme 2023. Collection method: clinical testing. Allele origin: germline.